The following is an entry in ClinVar:

NM_000053.4(ATP7B):c.3334A>G (p.Ile1112Val)

Gene: ATP7B (ATPase copper transporting beta; minus strand). Cytogenetic location: 13q14.3.
Variant type: single nucleotide variant.
Coding change: c.3334A>G on transcript NM_000053.4 (MANE Select); coding-DNA position 3334, A replaced by G.
Protein change: p.Ile1112Val; replaces isoleucine 1112 with valine.
Molecular consequence: missense variant.
Genome position (GRCh38, 1-based): chr13:51,942,464, T>C on the plus strand (A>G on the coding strand, the complement: ATP7B is on the minus strand). VCF-style: chr13-51942464-T-C. GRCh37 (hg19) VCF-style: chr13-52516600-T-C.
Other names: c.2713A>G, p.Ile905Val (NM_001005918.3); c.3001A>G, p.Ile1001Val (NM_001243182.2); c.3100A>G, p.Ile1034Val (NM_001330578.2, NM_001406527.1, NM_001406528.1 and 1 more transcripts); c.3082A>G, p.Ile1028Val (NM_001330579.2, NM_001406531.1, NM_001406532.1); c.3334A>G, p.Ile1112Val (NM_001406511.1, NM_001406512.1, NM_001406526.1); c.3328A>G, p.Ile1110Val (NM_001406513.1); c.3301A>G, p.Ile1101Val (NM_001406514.1); c.3280A>G, p.Ile1094Val (NM_001406515.1, NM_001406516.1); and 19 more; short protein forms I1001V, I1002V, I1016V, I1028V, I1032V, I1034V, I1047V, I1051V.
Identifiers: ClinVar variation 3368567 (VCV003368567.1).

ClinVar aggregate classification (germline): Uncertain significance (1 of 4 stars; one submission).

gnomAD v4.1: 1 of 1,614,246 alleles (0.000062%); highest among the groups gnomAD compares: Non-Finnish European, 0.000085%; no homozygotes.

Submission:

GeneDx
Classification: Uncertain significance. Last evaluated: 2024-01-30. Review status: criteria provided, single submitter. Criteria: GeneDx Variant Classification Process June 2021. Collection method: clinical testing. Allele origin: germline. Affected: yes.
Comment: In silico analysis supports that this missense variant does not alter protein structure/function; Has not been previously published as pathogenic or benign to our knowledge